The following is an entry in ClinVar:

ClinVar aggregate classification (germline): Uncertain significance. Review status: criteria provided, multiple submitters, no conflicts (2 of 4 stars). 2 submissions from 2 submitters: Uncertain significance (2). Last evaluated 2022-06-13.

Conditions:
Inborn genetic diseases. Identifiers: MedGen C0950123, MeSH D030342.
Glutamate formiminotransferase deficiency. Also called: Formiminoglutamic aciduria; Arakawa syndrome 1. Identifiers: Orphanet 51208, MedGen C0268609, MONDO:0009240, OMIM 229100.

Allele frequency attached by ClinVar (database versions not stated): gnomAD exomes 0.00002 and 0.00006; TOPMed 0.00004; gnomAD 0.00006; ExAC 0.00008; ESP Exome Variant Server 0.00008; 1000 Genomes Project 30x 0.00016; 1000 Genomes Project 0.00020.
gnomAD v4.1: 44 of 1,593,160 alleles (0.0028%); highest among the groups gnomAD compares: Middle Eastern, 0.018%; no homozygotes.

Submissions (2):

Labcorp Genetics (formerly Invitae), Labcorp
Classification: Uncertain significance for Glutamate formiminotransferase deficiency. Last evaluated: 2022-06-13. Review status: criteria provided, single submitter. Criteria: Invitae Variant Classification Sherloc (09022015). Collection method: clinical testing. Allele origin: germline.
Comment: This sequence change replaces arginine, which is basic and polar, with tryptophan, which is neutral and slightly polar, at codon 446 of the FTCD protein (p.Arg446Trp). The frequency data for this variant in the population databases is considered unreliable, as metrics indicate poor data quality at this position in the gnomAD database. This variant has not been reported in the literature in individuals affected with FTCD-related conditions. Algorithms developed to predict the effect of missense changes on protein structure and function are either unavailable or do not agree on the potential impact of this missense change (SIFT: "Deleterious"; PolyPhen-2: "Possibly Damaging"; Align-GVGD: "Class C0"). Algorithms developed to predict the effect of sequence changes on RNA splicing suggest that this variant may create or strengthen a splice site. In summary, the available evidence is currently insufficient to determine the role of this variant in disease. Therefore, it has been classified as a Variant of Uncertain Significance.

Ambry Genetics
Classification: Uncertain significance for Inborn genetic diseases. Last evaluated: 2022-03-23. Review status: criteria provided, single submitter. Criteria: Ambry Variant Classification Scheme 2023. Collection method: clinical testing. Allele origin: germline.

NM_206965.2(FTCD):c.1336C>T (p.Arg446Trp)

Gene: FTCD (formimidoyltransferase cyclodeaminase; minus strand). Cytogenetic location: 21q22.3.
Variant type: single nucleotide variant.
Coding change: c.1336C>T on transcript NM_206965.2 (MANE Select); coding-DNA position 1336, C replaced by T.
Protein change: p.Arg446Trp; replaces arginine 446 with tryptophan.
Molecular consequence: missense variant.
Genome position (GRCh38, 1-based): chr21:46,138,615, G>A on the plus strand (C>T on the coding strand, the complement: FTCD is on the minus strand). VCF-style: chr21-46138615-G-A. GRCh37 (hg19) VCF-style: chr21-47558529-G-A.
Other names: c.1336C>T, p.Arg446Trp (NM_001320412.2, NM_006657.3); c.1336C>T (NM_006657.2); short protein forms R446W.
Identifiers: ClinVar variation 1373261 (VCV001373261.7), dbSNP rs201966668, ClinGen allele CA10073479.